The following is an entry in ClinVar:

ClinVar aggregate classification (germline): Uncertain significance (1 of 4 stars; one submission).

Conditions:
CHRNA1-related disorder. Also called: CHRNA1-related condition.

Submission:

PreventionGenetics, part of Exact Sciences
Classification: Uncertain significance for CHRNA1-related condition. Last evaluated: 2025-01-13. Review status: criteria provided, single submitter. Criteria: ACMG Guidelines, 2015. Collection method: clinical testing. Allele origin: germline.
Comment: The CHRNA1 c.757C>G variant is predicted to result in the amino acid substitution p.Gln253Glu. To our knowledge, this variant has not been reported in the literature or in a large population database (gnomAD), indicating this variant is rare. At this time, the clinical significance of this variant is uncertain due to the absence of conclusive functional and genetic evidence.

NM_000079.4(CHRNA1):c.682C>G (p.Gln228Glu)

Gene: CHRNA1 (cholinergic receptor nicotinic alpha 1 subunit; minus strand). Cytogenetic location: 2q31.1.
Variant type: single nucleotide variant.
Coding change: c.682C>G on transcript NM_000079.4 (MANE Select); coding-DNA position 682, C replaced by G.
Protein change: p.Gln228Glu; replaces glutamine 228 with glutamic acid.
Molecular consequence: missense variant.
Genome position (GRCh38, 1-based): chr2:174,753,599, G>C on the plus strand (C>G on the coding strand, the complement: CHRNA1 is on the minus strand). VCF-style: chr2-174753599-G-C. GRCh37 (hg19) VCF-style: chr2-175618327-G-C.
Other names: c.757C>G, p.Gln253Glu (NM_001039523.3); short protein forms Q228E, Q253E.
Identifiers: ClinVar variation 4999588 (VCV004999588.1).
Genomic context (GRCh38, chr2:174,753,599, plus strand): 5'-AGAAGGAGAAGAGCAGGCAGGGGATGATGACGTTGACGATGAAGTAGAGGGGCAGGCGCT[G>C]CATGACGAAGTGGTAGGTGATGTCCAGGTAGGGGGTGTCGGGGCAGCAGGAATAGGTCAC-3'
Protein context (NP_000070.1, residues 218-238): YLDITYHFVM[Gln228Glu]RLPLYFIVNV